The following is an entry in ClinVar:

NM_014391.3(ANKRD1):c.234A>T (p.Arg78Ser)

Gene: ANKRD1 (ankyrin repeat domain 1; minus strand). Cytogenetic location: 10q23.31.
Variant type: single nucleotide variant.
Coding change: c.234A>T on transcript NM_014391.3 (MANE Select); coding-DNA position 234, A replaced by T.
Protein change: p.Arg78Ser; replaces arginine 78 with serine.
Molecular consequence: missense variant.
Genome position (GRCh38, 1-based): chr10:90,919,242, T>A on the plus strand (A>T on the coding strand, the complement: ANKRD1 is on the minus strand). VCF-style: chr10-90919242-T-A. GRCh37 (hg19) VCF-style: chr10-92678999-T-A.
Other names: short protein forms R78S.
Identifiers: ClinVar variation 162750 (VCV000162750.25), dbSNP rs141376679, ClinGen allele CA175250.
Genomic context (GRCh38, chr10:90,919,242, plus strand): 5'-TTTTTTCCTTTTCTTCAGTTGAATGATTATTTCAAGGTCTTCTAAATTTTCAAGCTTTGA[T>A]CTTTGTTCTAGTTTTTTCTTTTTGAGCTAAAAAAGAAATTCGTATTTCAAAAATATGGTG-3'
Protein context (NP_055206.2, residues 68-88): AELKKKKLEQ[Arg78Ser]SKLENLEDLE

ClinVar aggregate classification (germline): Uncertain significance. Review status: criteria provided, multiple submitters, no conflicts (2 of 4 stars). 6 submissions from 6 submitters: Uncertain significance (6). Last evaluated 2026-04-04.

Conditions:
Cardiovascular phenotype. Identifiers: MedGen CN230736.
ANKRD1-related disorder. Also called: ANKRD1-related condition.
ANKRD1-related dilated cardiomyopathy. Identifiers: MedGen CN119551.

Allele frequency attached by ClinVar (database versions not stated): ExAC 0.00006; ESP Exome Variant Server 0.00008; gnomAD exomes 0.00011 and 0.00020; TOPMed 0.00015; 1000 Genomes Project 30x 0.00016; gnomAD 0.00016 and 0.00017.
gnomAD v4.1: 308 of 1,608,576 alleles (0.019%); highest among the groups gnomAD compares: Admixed American, 0.039%; no homozygotes.

Submissions (6):

PreventionGenetics, part of Exact Sciences
Classification: Uncertain significance for ANKRD1-related condition. Last evaluated: 2026-04-04. Review status: criteria provided, single submitter. Criteria: ACMG Guidelines, 2015. Collection method: clinical testing. Allele origin: germline.
Comment: The ANKRD1 c.234A>T variant is predicted to result in the amino acid substitution p.Arg78Ser. This variant has been reported as uncertain in individuals with dilated cardiomyopathy (Supplemental Table 4, Verdonschot et al. 2020. PubMed ID: 32880476; Table S3, Stroeks et al. 2023. PubMed ID: 37198425). This variant is reported in 0.040% of alleles in individuals of Latino descent in gnomAD and is interpreted as uncertain in ClinVar (Variation ID: 162750). At this time, the clinical significance of this variant is uncertain due to the absence of conclusive functional and genetic evidence.

Labcorp Genetics (formerly Invitae), Labcorp
Classification: Uncertain significance for ANKRD1-related dilated cardiomyopathy. Last evaluated: 2026-01-14. Review status: criteria provided, single submitter. Criteria: Invitae Variant Classification Sherloc (09022015). Collection method: clinical testing. Allele origin: germline.
Comment: This sequence change replaces arginine, which is basic and polar, with serine, which is neutral and polar, at codon 78 of the ANKRD1 protein (p.Arg78Ser). This variant is present in population databases (rs141376679, gnomAD 0.04%), and has an allele count higher than expected for a pathogenic variant. This missense change has been observed in individual(s) with dilated cardiomyopathy (PMID: 32880476). ClinVar contains an entry for this variant (Variation ID: 162750). Invitae Evidence Modeling of protein sequence and biophysical properties (such as structural, functional, and spatial information, amino acid conservation, physicochemical variation, residue mobility, and thermodynamic stability) indicates that this missense variant is not expected to disrupt ANKRD1 protein function with a negative predictive value of 80%. In summary, the available evidence is currently insufficient to determine the role of this variant in disease. Therefore, it has been classified as a Variant of Uncertain Significance.

Ambry Genetics
Classification: Uncertain significance for Cardiovascular phenotype. Last evaluated: 2025-03-31. Review status: criteria provided, single submitter. Criteria: Ambry Variant Classification Scheme 2023. Collection method: clinical testing. Allele origin: germline.
Comment: The p.R78S variant (also known as c.234A>T), located in coding exon 3 of the ANKRD1 gene, results from an A to T substitution at nucleotide position 234. The arginine at codon 78 is replaced by serine, an amino acid with dissimilar properties. This amino acid position is highly conserved in available vertebrate species. In addition, the in silico prediction for this alteration is inconclusive. Since supporting evidence is limited at this time, the clinical significance of this alteration remains unclear.

GeneDx
Classification: Uncertain significance. Last evaluated: 2024-09-10. Review status: criteria provided, single submitter. Criteria: GeneDx Variant Classification Process June 2021. Collection method: clinical testing. Allele origin: germline. Affected: yes.
Comment: Identified in a patient with DCM in the published literature (PMID: 32880476); In silico analysis supports that this missense variant has a deleterious effect on protein structure/function; This variant is associated with the following publications: (PMID: 32880476)

Mayo Clinic Laboratories, Mayo Clinic
Classification: Uncertain significance. Last evaluated: 2021-10-27. Review status: criteria provided, single submitter. Criteria: ACMG Guidelines, 2015. Collection method: clinical testing. Allele origin: germline.

Laboratory for Molecular Medicine, Mass General Brigham Personalized Medicine
Classification: Uncertain significance. Last evaluated: 2014-04-04. Review status: criteria provided, single submitter. Criteria: LMM Criteria. Collection method: clinical testing. Allele origin: germline. Observed: 1 variant allele.
Comment: The Arg78Ser variant in ANKRD1 has not been reported in individuals with cardiom yopathy, but has been identified in 1/8598 of European American chromosomes by t he NHLBI Exome Sequencing Project (dbSNP rs14 1376679). Computational prediction tools and conservation analysis suggest that this variant may impact the protein, though this information is not predictive e nough to determine pathogenicity. Additional information is needed to fully asse ss the clinical significance of the Arg78Ser variant.

Literature cited by the submitters: PubMed 32880476 (cited by Labcorp Genetics (formerly Invitae), Labcorp).